The following is an entry in ClinVar:

NM_015046.7(SETX):c.6695G>A (p.Arg2232His)

Gene: SETX (senataxin; minus strand). Cytogenetic location: 9q34.13.
Variant type: single nucleotide variant.
Coding change: c.6695G>A on transcript NM_015046.7 (MANE Select); coding-DNA position 6695, G replaced by A.
Protein change: p.Arg2232His; replaces arginine 2232 with histidine.
Molecular consequence: missense variant.
Genome position (GRCh38, 1-based): chr9:132,278,217, C>T on the plus strand (G>A on the coding strand, the complement: SETX is on the minus strand). VCF-style: chr9-132278217-C-T. GRCh37 (hg19) VCF-style: chr9-135153604-C-T.
Other names: c.6695G>A, p.Arg2232His (NM_001351527.2, NM_001351528.2); short protein forms R2232H.
Identifiers: ClinVar variation 3749092 (VCV003749092.2).

ClinVar aggregate classification (germline): Uncertain significance (1 of 4 stars; one submission).

Conditions:
Amyotrophic lateral sclerosis type 4 (ALS4). Also called: NEURONOPATHY, DISTAL HEREDITARY MOTOR, WITH PYRAMIDAL FEATURES; AMYOTROPHIC LATERAL SCLEROSIS 4, JUVENILE. Identifiers: Orphanet 357043, MedGen C1865409, MONDO:0011223, OMIM 602433.
Spinocerebellar ataxia, autosomal recessive, with axonal neuropathy 2 (SCAN2). Also called: Ataxia with Oculomotor Apraxia Type 2; ATAXIA-OCULOMOTOR APRAXIA 2; Ataxia-ocular apraxia-2; Ataxia with Oculomotor Apraxia. Identifiers: Orphanet 64753, MedGen C1853761, MONDO:0018996, OMIM 606002.

gnomAD v4.1: 2 of 1,614,120 alleles (0.00012%); highest among the groups gnomAD compares: African/African-American, 0.0013%; no homozygotes.

Submission:

Labcorp Genetics (formerly Invitae), Labcorp
Classification: Uncertain significance for Amyotrophic lateral sclerosis type 4; Spinocerebellar ataxia, autosomal recessive, with axonal neuropathy 2. Last evaluated: 2024-07-11. Review status: criteria provided, single submitter. Criteria: Invitae Variant Classification Sherloc (09022015). Collection method: clinical testing. Allele origin: germline.
Comment: This sequence change replaces arginine, which is basic and polar, with histidine, which is basic and polar, at codon 2232 of the SETX protein (p.Arg2232His). This variant is not present in population databases (gnomAD no frequency). This variant has not been reported in the literature in individuals affected with SETX-related conditions. Advanced modeling of protein sequence and biophysical properties (such as structural, functional, and spatial information, amino acid conservation, physicochemical variation, residue mobility, and thermodynamic stability) has been performed at Invitae for this missense variant, however the output from this modeling did not meet the statistical confidence thresholds required to predict the impact of this variant on SETX protein function. In summary, the available evidence is currently insufficient to determine the role of this variant in disease. Therefore, it has been classified as a Variant of Uncertain Significance.